The following is an entry in ClinVar:

Single allele

Gene: DMD (dystrophin; minus strand). Cytogenetic location: Xp21.1.
Variant type: Deletion.
Identifiers: ClinVar variation 1807247 (VCV001807247.1).

ClinVar aggregate classification (germline): Pathogenic (1 of 4 stars; one submission).

Submission:

Athena Diagnostics
Classification: Pathogenic. Last evaluated: 2022-04-20. Review status: criteria provided, single submitter. Criteria: Athena Diagnostics Criteria. Collection method: clinical testing. Allele origin: unknown.
Comment: This variant is expected to result in the loss of a functional protein. Multiple unrelated males with Duchenne muscular dystrophy (DMD) have been reported with similar deletions of exons 8-11. Similar variants have not been reported in large, multi-ethnic general populations.

Literature cited by the submitters: PubMed 19937601; PubMed 14977063; PubMed 11412872; PubMed 17854090; PubMed 26968818; PubMed 19367636; PubMed 31081998; PubMed 18653336; PubMed 20485447; PubMed 15684864; PubMed 23438214; PubMed 21515508; PubMed 31705731; PubMed 33238405.